The following is an entry in ClinVar:

NM_005045.4(RELN):c.4003A>G (p.Lys1335Glu)

Gene: RELN (reelin; minus strand). Cytogenetic location: 7q22.1.
Variant type: single nucleotide variant.
Coding change: c.4003A>G on transcript NM_005045.4 (MANE Select); coding-DNA position 4003, A replaced by G.
Protein change: p.Lys1335Glu; replaces lysine 1335 with glutamic acid.
Molecular consequence: missense variant.
Genome position (GRCh38, 1-based): chr7:103,589,738, T>C on the plus strand (A>G on the coding strand, the complement: RELN is on the minus strand). VCF-style: chr7-103589738-T-C. GRCh37 (hg19) VCF-style: chr7-103230185-T-C.
Other names: c.4003A>G, p.Lys1335Glu (NM_173054.3); short protein forms K1335E.
Identifiers: ClinVar variation 1997384 (VCV001997384.4), dbSNP rs2484785028, ClinGen allele CA368756171.

ClinVar aggregate classification (germline): Uncertain significance (1 of 4 stars; one submission).

Conditions:
Norman-Roberts syndrome (LIS2). Also called: Lissencephaly 2 (Norman-Roberts type). Identifiers: Orphanet 89844, MedGen C0796089, MONDO:0009760, OMIM 257320.
Familial temporal lobe epilepsy 7. Identifiers: Orphanet 101046, MedGen C4225327, MONDO:0014639, OMIM 616436.

Submission:

Labcorp Genetics (formerly Invitae), Labcorp
Classification: Uncertain significance for Familial temporal lobe epilepsy 7; Norman-Roberts syndrome. Last evaluated: 2022-05-21. Review status: criteria provided, single submitter. Criteria: Invitae Variant Classification Sherloc (09022015). Collection method: clinical testing. Allele origin: germline.
Comment: This sequence change replaces lysine, which is basic and polar, with glutamic acid, which is acidic and polar, at codon 1335 of the RELN protein (p.Lys1335Glu). In summary, the available evidence is currently insufficient to determine the role of this variant in disease. Therefore, it has been classified as a Variant of Uncertain Significance. Algorithms developed to predict the effect of missense changes on protein structure and function are either unavailable or do not agree on the potential impact of this missense change (SIFT: "Deleterious"; PolyPhen-2: "Benign"; Align-GVGD: "Class C0"). This variant has not been reported in the literature in individuals affected with RELN-related conditions. This variant is not present in population databases (gnomAD no frequency).